The following is an entry in ClinVar:

ClinVar aggregate classification (germline): Uncertain significance (1 of 4 stars; one submission).

Conditions:
Hereditary cancer-predisposing syndrome. Also called: Hereditary Cancer Syndrome; Neoplastic Syndromes, Hereditary; Tumor predisposition; Hereditary neoplastic syndrome. Identifiers: Orphanet 140162, MedGen C0027672, MeSH D009386, MONDO:0015356.

Allele frequency attached by ClinVar (database versions not stated): gnomAD exomes below 0.00001.

Submission:

Ambry Genetics
Classification: Uncertain significance for Hereditary cancer-predisposing syndrome. Last evaluated: 2025-04-25. Review status: criteria provided, single submitter. Criteria: Ambry Variant Classification Scheme 2023. Collection method: clinical testing. Allele origin: germline.
Comment: The p.L176I variant (also known as c.526C>A), located in coding exon 4 of the PALB2 gene, results from a C to A substitution at nucleotide position 526. The leucine at codon 176 is replaced by isoleucine, an amino acid with highly similar properties. This amino acid position is conserved. In addition, this alteration is predicted to be tolerated by in silico analysis. Since supporting evidence is limited at this time, the clinical significance of this alteration remains unclear.

NM_024675.4(PALB2):c.526C>A (p.Leu176Ile)

Gene: PALB2 (partner and localizer of BRCA2; minus strand). Cytogenetic location: 16p12.2.
Variant type: single nucleotide variant.
Coding change: c.526C>A on transcript NM_024675.4 (MANE Select); coding-DNA position 526, C replaced by A.
Protein change: p.Leu176Ile; replaces leucine 176 with isoleucine.
Molecular consequence: missense variant.
Genome position (GRCh38, 1-based): chr16:23,636,020, G>T on the plus strand (C>A on the coding strand, the complement: PALB2 is on the minus strand). VCF-style: chr16-23636020-G-T. GRCh37 (hg19) VCF-style: chr16-23647341-G-T.
Other names: c.466C>A, p.Leu156Ile (NM_001407296.1); c.526C>A, p.Leu176Ile (NM_001407297.1, NM_001407298.1, NM_001407299.1 and 3 more transcripts); c.-360C>A (NM_001407304.1, NM_001407305.1, NM_001407306.1 and 5 more transcripts); short protein forms L156I, L176I.
Identifiers: ClinVar variation 1746489 (VCV001746489.3), dbSNP rs1211622922, ClinGen allele CA395136962.